The following is an entry in ClinVar:

NM_002497.4(NEK2):c.775C>T (p.Arg259Ter)

Gene: NEK2 (NIMA related kinase 2; minus strand). Cytogenetic location: 1q32.3.
Variant type: single nucleotide variant.
Coding change: c.775C>T on transcript NM_002497.4 (MANE Select); coding-DNA position 775, C replaced by T.
Protein change: p.Arg259Ter; replaces arginine 259 with a stop codon.
Molecular consequence: nonsense.
Genome position (GRCh38, 1-based): chr1:211,669,323, G>A on the plus strand (C>T on the coding strand, the complement: NEK2 is on the minus strand). VCF-style: chr1-211669323-G-A. GRCh37 (hg19) VCF-style: chr1-211842665-G-A.
Other names: c.775C>T, p.Arg259Ter (NM_001204182.2, NM_001204183.2); short protein forms R259*.
Identifiers: ClinVar variation 1461787 (VCV001461787.7), dbSNP rs761216195, ClinGen allele CA1381587.

ClinVar aggregate classification (germline): Uncertain significance. Review status: criteria provided, single submitter (1 of 4 stars). 2 submissions from 2 submitters: Uncertain significance (1). 1 of the submissions does not count toward it. Last evaluated 2021-10-27.

Conditions:
Retinal dystrophy. Also called: Inherited retinal dystrophy. Identifiers: Orphanet 71862, MedGen C0854723, MeSH D058499, MONDO:0019118, HP:0000556.

Allele frequency attached by ClinVar (database versions not stated): gnomAD exomes below 0.00001; ExAC 0.00001.
gnomAD v4.1: 3 of 1,613,886 alleles (0.00019%); highest among the groups gnomAD compares: Admixed American, 0.0017%; no homozygotes.

Submissions (2):

Labcorp Genetics (formerly Invitae), Labcorp
Classification: Uncertain significance. Last evaluated: 2021-10-27. Review status: criteria provided, single submitter. Criteria: Invitae Variant Classification Sherloc (09022015). Collection method: clinical testing. Allele origin: germline.
Comment: In summary, the available evidence is currently insufficient to determine the role of this variant in disease. Therefore, it has been classified as a Variant of Uncertain Significance. This variant has not been reported in the literature in individuals affected with NEK2-related conditions. This variant is present in population databases (rs761216195, gnomAD 0.003%). This sequence change creates a premature translational stop signal (p.Arg259*) in the NEK2 gene. It is expected to result in an absent or disrupted protein product. However, the current clinical and genetic evidence is not sufficient to establish whether loss-of-function variants in NEK2 cause disease.

Institute of Human Genetics, Univ. Regensburg, Univ. Regensburg
Classification: Likely pathogenic for Retinal dystrophy. Last evaluated: 2020-01-01. Review status: no assertion criteria provided. Criteria: ACMG Guidelines, 2015. Collection method: clinical testing. Allele origin: germline. Affected: yes. Not counted in ClinVar's aggregate classification.